The following is an entry in ClinVar:

NM_004168.4(SDHA):c.752A>G (p.Asn251Ser)

Gene: SDHA (succinate dehydrogenase complex flavoprotein subunit A; plus strand). Cytogenetic location: 5p15.33.
Variant type: single nucleotide variant.
Coding change: c.752A>G on transcript NM_004168.4 (MANE Select); coding-DNA position 752, A replaced by G.
Protein change: p.Asn251Ser; replaces asparagine 251 with serine.
Molecular consequence: missense variant.
Genome position (GRCh38, 1-based): chr5:228,315, A>G. VCF-style: chr5-228315-A-G. GRCh37 (hg19) VCF-style: chr5-228430-A-G.
Other names: c.608A>G, p.Asn203Ser (NM_001294332.2); c.752A>G, p.Asn251Ser (NM_001330758.2); short protein forms N251S, N203S.
Identifiers: ClinVar variation 2587076 (VCV002587076.5), dbSNP rs1318566276, ClinGen allele CA359011187.

ClinVar aggregate classification (germline): Uncertain significance. Review status: criteria provided, multiple submitters, no conflicts (2 of 4 stars). 2 submissions from 2 submitters: Uncertain significance (2). Last evaluated 2024-04-15.

Conditions:
Hereditary cancer-predisposing syndrome. Also called: Neoplastic Syndromes, Hereditary; Tumor predisposition; Hereditary Cancer Syndrome; Hereditary neoplastic syndrome. Identifiers: Orphanet 140162, MedGen C0027672, MeSH D009386, MONDO:0015356.
Mitochondrial complex II deficiency, nuclear type 1. Also called: SUCCINATE CoQ REDUCTASE DEFICIENCY. Identifiers: Orphanet 3208, MedGen C5700310, MONDO:0100294, OMIM 252011.
Pheochromocytoma/paraganglioma syndrome 5. Also called: Paragangliomas 5; SDHA-Related Hereditary Paraganglioma-Pheochromocytoma Syndrome. Identifiers: Orphanet 29072, MedGen C3279992, MONDO:0013602, OMIM 614165.

Submissions (2):

Labcorp Genetics (formerly Invitae), Labcorp
Classification: Uncertain significance for Pheochromocytoma/paraganglioma syndrome 5; Mitochondrial complex II deficiency, nuclear type 1. Last evaluated: 2024-04-15. Review status: criteria provided, single submitter. Criteria: Invitae Variant Classification Sherloc (09022015). Collection method: clinical testing. Allele origin: germline.
Comment: This sequence change replaces asparagine, which is neutral and polar, with serine, which is neutral and polar, at codon 251 of the SDHA protein (p.Asn251Ser). This variant is not present in population databases (gnomAD no frequency). This variant has not been reported in the literature in individuals affected with SDHA-related conditions. ClinVar contains an entry for this variant (Variation ID: 2587076). Advanced modeling of protein sequence and biophysical properties (such as structural, functional, and spatial information, amino acid conservation, physicochemical variation, residue mobility, and thermodynamic stability) performed at Invitae indicates that this missense variant is not expected to disrupt SDHA protein function with a negative predictive value of 95%. In summary, the available evidence is currently insufficient to determine the role of this variant in disease. Therefore, it has been classified as a Variant of Uncertain Significance.

Ambry Genetics
Classification: Uncertain significance for Hereditary cancer-predisposing syndrome. Last evaluated: 2023-07-26. Review status: criteria provided, single submitter. Criteria: Ambry Variant Classification Scheme 2023. Collection method: clinical testing. Allele origin: germline.
Comment: The p.N251S variant (also known as c.752A>G), located in coding exon 6 of the SDHA gene, results from an A to G substitution at nucleotide position 752. The asparagine at codon 251 is replaced by serine, an amino acid with highly similar properties. This amino acid position is conserved. In addition, this alteration is predicted to be tolerated by in silico analysis. Since supporting evidence is limited at this time, the clinical significance of this alteration remains unclear.